The following is an entry in ClinVar:

NM_001369.3(DNAH5):c.12500-14A>G

Gene: DNAH5 (dynein axonemal heavy chain 5; minus strand). Cytogenetic location: 5p15.2.
Variant type: single nucleotide variant.
Coding change: c.12500-14A>G on transcript NM_001369.3 (MANE Select); 14 bases into the intron before coding-DNA position 12500, A replaced by G.
Molecular consequence: intron variant.
Genome position (GRCh38, 1-based): chr5:13,717,534, T>C on the plus strand (A>G on the coding strand, the complement: DNAH5 is on the minus strand). VCF-style: chr5-13717534-T-C. GRCh37 (hg19) VCF-style: chr5-13717643-T-C.
Identifiers: ClinVar variation 1470815 (VCV001470815.7), dbSNP rs2126510171, ClinGen allele CA2573138431.
Genomic context (GRCh38, chr5:13,717,534, plus strand): 5'-CTTCCACTGGGACCCAGAGCTCACGTCCAGCAGGTCTTGGCTGACACCTGTTGTGGTCAG[T>C]TGGGTGAAAAATGTATCATCTCTCAAATGTCTTTATTTTCTACTACTTTTATAAGTAATC-3'

ClinVar aggregate classification (germline): Conflicting classifications of pathogenicity. Review status: criteria provided, conflicting classifications (1 of 4 stars). 2 submissions from 2 submitters: Pathogenic (1); Uncertain significance (1). Last evaluated 2024-10-11.

Conditions:
Primary ciliary dyskinesia. Also called: Ciliary dyskinesia. Identifiers: Orphanet 244, MedGen C0008780, MONDO:0016575, HP:0012265.

Allele frequency attached by ClinVar (database versions not stated): gnomAD exomes 0.00001.
gnomAD v4.1: 12 of 1,609,774 alleles (0.00075%); highest among the groups gnomAD compares: Non-Finnish European, 0.001%; no homozygotes.

Submissions (2):

Labcorp Genetics (formerly Invitae), Labcorp
Classification: Pathogenic for Primary ciliary dyskinesia. Last evaluated: 2024-10-11. Review status: criteria provided, single submitter. Criteria: Invitae Variant Classification Sherloc (09022015). Collection method: clinical testing. Allele origin: germline.
Comment: This sequence change falls in intron 72 of the DNAH5 gene. It does not directly change the encoded amino acid sequence of the DNAH5 protein. This variant is not present in population databases (gnomAD no frequency). This variant has been observed in individual(s) with clinical features of primary ciliary dyskinesia (PMID: 35728977; internal data). In at least one individual the data is consistent with being in trans (on the opposite chromosome) from a pathogenic variant. ClinVar contains an entry for this variant (Variation ID: 1470815). Algorithms developed to predict the effect of sequence changes on RNA splicing suggest that this variant may disrupt the consensus splice site. For these reasons, this variant has been classified as Pathogenic.

Blueprint Genetics
Classification: Uncertain significance. Last evaluated: 2024-01-05. Review status: criteria provided, single submitter. Criteria: ACMG Guidelines, 2015. Collection method: clinical testing. Allele origin: germline.

Literature cited by the submitters: PubMed 35728977 (cited by Labcorp Genetics (formerly Invitae), Labcorp).